The following is an entry in ClinVar:

ClinVar aggregate classification (germline): Benign. Review status: criteria provided, multiple submitters, no conflicts (2 of 4 stars). 4 submissions from 4 submitters: Benign (4). Last evaluated 2026-02-04.

Conditions:
DOCK2 deficiency. Also called: Immunodeficiency 40. Identifiers: Orphanet 447737, MedGen C4225328, MONDO:0014637, OMIM 616433.

Allele frequency attached by ClinVar (database versions not stated): ESP Exome Variant Server 0.37583; ExAC 0.40669; gnomAD exomes 0.43726 and 0.40623; TOPMed 0.37184; gnomAD 0.37207 and 0.37503; 1000 Genomes Project 30x 0.37367; 1000 Genomes Project 0.38538.
gnomAD v4.1: 695,686 of 1,613,106 alleles (43%); highest among the groups gnomAD compares: East Asian, 69%; 155,424 homozygotes.

Submissions (4):

Labcorp Genetics (formerly Invitae), Labcorp
Classification: Benign for DOCK2 deficiency. Last evaluated: 2026-02-04. Review status: criteria provided, single submitter. Criteria: Invitae Variant Classification Sherloc (09022015). Collection method: clinical testing. Allele origin: germline.

Women's Health and Genetics/Laboratory Corporation of America, LabCorp
Classification: Benign. Last evaluated: 2026-01-21. Review status: criteria provided, single submitter. Criteria: LabCorp Variant Classification Summary - May 2015. Collection method: clinical testing. Allele origin: germline.

Unidad de Genómica Garrahan, Hospital de Pediatría Garrahan
Classification: Benign. Last evaluated: 2024-01-24. Review status: criteria provided, single submitter. Criteria: ACMG Guidelines, 2015. Collection method: clinical testing. Allele origin: germline. Affected: no. Observed: 53 variant alleles.
Comment: This variant is classified as Benign based on local population frequency. This variant was detected in 56% of patients studied by a panel of primary immunodeficiencies. Number of patients: 53. Only high quality variants are reported.

Mayo Clinic Laboratories, Mayo Clinic
Classification: Benign. Last evaluated: 2022-09-06. Review status: criteria provided, single submitter. Criteria: ACMG Guidelines, 2015. Collection method: clinical testing. Allele origin: germline. Observed: 18 variant alleles.

NM_004946.3(DOCK2):c.1374A>G (p.Lys458=)

Gene: DOCK2 (dedicator of cytokinesis 2; plus strand). Cytogenetic location: 5q35.1.
Variant type: single nucleotide variant.
Coding change: c.1374A>G on transcript NM_004946.3 (MANE Select); coding-DNA position 1374, A replaced by G.
Protein change: p.Lys458=; no amino-acid change (lysine 458 retained).
Molecular consequence: synonymous variant. On other transcripts: non-coding transcript variant (1).
Genome position (GRCh38, 1-based): chr5:169,702,418, A>G. VCF-style: chr5-169702418-A-G. GRCh37 (hg19) VCF-style: chr5-169129422-A-G.
Other names: p.Lys458=.
Identifiers: ClinVar variation 1169571 (VCV001169571.13), dbSNP rs2306559, ClinGen allele CA3553432.